The following is an entry in ClinVar:

ClinVar aggregate classification (germline): Pathogenic/Likely pathogenic. Review status: criteria provided, multiple submitters, no conflicts (2 of 4 stars). 2 submissions from 2 submitters: Pathogenic (1); Likely pathogenic (1). Last evaluated 2025-04-10.

Conditions:
Opsismodysplasia (OPSMD). Also called: INPPL1-Related Opsismodysplasia. Identifiers: Orphanet 2746, MedGen C0432219, MONDO:0009785, OMIM 258480.

gnomAD v4.1: 14 of 1,613,924 alleles (0.00087%); highest among the groups gnomAD compares: Admixed American, 0.0017%; no homozygotes.

Submissions (2):

Labcorp Genetics (formerly Invitae), Labcorp
Classification: Pathogenic. Last evaluated: 2025-04-10. Review status: criteria provided, single submitter. Criteria: Invitae Variant Classification Sherloc (09022015). Collection method: clinical testing. Allele origin: germline.
Comment: This sequence change creates a premature translational stop signal (p.Arg649*) in the INPPL1 gene. It is expected to result in an absent or disrupted protein product. Loss-of-function variants in INPPL1 are known to be pathogenic (PMID: 23273567, 23273569). This variant is present in population databases (rs777831045, gnomAD 0.003%). This variant has not been reported in the literature in individuals affected with INPPL1-related conditions. ClinVar contains an entry for this variant (Variation ID: 3362516). For these reasons, this variant has been classified as Pathogenic.

Genomic Medicine Center of Excellence, King Faisal Specialist Hospital and Research Centre
Classification: Likely pathogenic for Opsismodysplasia. Last evaluated: 2024-09-22. Review status: criteria provided, single submitter. Criteria: ACMG Guidelines, 2015. Collection method: clinical testing. Allele origin: germline.

Literature cited by the submitters: PubMed 23273567 (cited by Labcorp Genetics (formerly Invitae), Labcorp); PubMed 23273569 (cited by Labcorp Genetics (formerly Invitae), Labcorp).

NM_001567.4(INPPL1):c.1945C>T (p.Arg649Ter)

Gene: INPPL1 (inositol polyphosphate phosphatase like 1; plus strand). Cytogenetic location: 11q13.4.
Variant type: single nucleotide variant.
Coding change: c.1945C>T on transcript NM_001567.4 (MANE Select); coding-DNA position 1945, C replaced by T.
Protein change: p.Arg649Ter; replaces arginine 649 with a stop codon.
Molecular consequence: nonsense.
Genome position (GRCh38, 1-based): chr11:72,232,968, C>T. VCF-style: chr11-72232968-C-T. GRCh37 (hg19) VCF-style: chr11-71944012-C-T.
Other names: short protein forms R649*.
Identifiers: ClinVar variation 3362516 (VCV003362516.2).